The following is an entry in ClinVar:

NM_207037.2(TCF12):c.1978+3_1978+10del

Gene: TCF12 (transcription factor 12; plus strand). Cytogenetic location: 15q21.3.
Variant type: Deletion.
Coding change: c.1978+3_1978+10del on transcript NM_207037.2 (MANE Select); bases 3 to 10 of the intron after coding-DNA position 1978, 8 bases deleted (AAGTAGGT; older notation c.1978+3_1978+10delAAGTAGGT).
Molecular consequence: splice donor variant.
Genome position (GRCh38, 1-based): chr15:57,273,265-57,273,272, AAGTAGGT deleted; deleting any 8 consecutive bases within chr15:57,273,261-57,273,272 gives the same sequence; the c. name uses the placement nearest the transcript's 3' end. VCF-style (leftmost placement, unchanged base first): chr15-57273260-GAGGTAAGT-G. GRCh37 (hg19) VCF-style: chr15-57565458-GAGGTAAGT-G.
Other names: c.1978+3_1978+10del (NM_001322151.2, NM_001322159.3, NM_207036.2 and 1 more transcripts); c.1906+3_1906+10del (NM_001322157.3, NM_003205.4, NM_207038.2 and 1 more transcripts); c.1804+3_1804+10del (NM_001322156.2); c.1732+3_1732+10del (NM_001322158.2); c.1975+3_1975+10del (NM_001322152.2, NM_001322161.2); c.1321+3_1321+10del (NM_001322154.2); c.1942+3_1942+10del (NM_001322164.2); c.1468+3_1468+10del (NM_001306219.3); and 2 more.
Identifiers: ClinVar variation 1306925 (VCV001306925.4), dbSNP rs2152099040, ClinGen allele CA2573054051.
Genomic context (GRCh38, chr15:57,273,260, plus strand): 5'-CAAAACTCCTTATTCTTCATCAAGCCGTGGCAGTCATCCTTAGTCTAGAACAGCAAGTCA[GAGGTAAGT>G]AGGTTCAGCCGAGATGTATAACTGTTCTGCTTCAGATGGGCAGACATTTCTGTTTACAGT-3'

ClinVar aggregate classification (germline): Likely pathogenic (1 of 4 stars; one submission).

Submission:

GeneDx
Classification: Likely pathogenic. Last evaluated: 2025-01-06. Review status: criteria provided, single submitter. Criteria: GeneDx Variant Classification Process June 2021. Collection method: clinical testing. Allele origin: germline. Affected: yes.
Comment: Intronic variant directly or indirectly altering the +5 splice site in a gene for which loss of function is a known mechanism of disease, and splice predictors support a deleterious effect; Not observed at significant frequency in large population cohorts (gnomAD); Has not been previously published as pathogenic or benign to our knowledge